The following is an entry in ClinVar:

NM_173728.4(ARHGEF15):c.2508dup (p.Asn837fs)

Gene: ARHGEF15 (Rho guanine nucleotide exchange factor 15; plus strand). Cytogenetic location: 17p13.1.
Variant type: Duplication.
Coding change: c.2508dup on transcript NM_173728.4 (MANE Select); coding-DNA position 2508, one base duplicated (C; older notation c.2508dupC).
Protein change: p.Asn837fs; shifts the reading frame from asparagine 837.
Molecular consequence: frameshift variant.
Genome position (GRCh38, 1-based): chr17:8,320,975, C duplicated; the last of 5 consecutive C bases (chr17:8,320,971-8,320,975); duplicating any one gives the same sequence. VCF-style (leftmost placement, unchanged base first): chr17-8320970-A-AC. GRCh37 (hg19) VCF-style: chr17-8224288-A-AC.
Other names: c.2508dup, p.Asn837fs (NM_025014.2); short protein forms N837fs.
Identifiers: ClinVar variation 1477510 (VCV001477510.7), dbSNP rs1344405299, ClinGen allele CA775796836.

ClinVar aggregate classification (germline): Uncertain significance (1 of 4 stars; one submission).

Conditions:
Early-infantile DEE. Also called: Ohtahara syndrome; Early infantile epileptic encephalopathy with suppression bursts; Early infantile epileptic encephalopathy. Identifiers: Orphanet 1934, MedGen C0393706, MONDO:0800491.

Submission:

Labcorp Genetics (formerly Invitae), Labcorp
Classification: Uncertain significance for Early-infantile DEE. Last evaluated: 2023-02-22. Review status: criteria provided, single submitter. Criteria: Invitae Variant Classification Sherloc (09022015). Collection method: clinical testing. Allele origin: germline.
Comment: ClinVar contains an entry for this variant (Variation ID: 1477510). This sequence change results in a frameshift in the ARHGEF15 gene (p.Asn837Glnfs*57). While this is not anticipated to result in nonsense mediated decay, it is expected to disrupt the last 5 amino acid(s) of the ARHGEF15 protein and extend the protein by 51 additional amino acid residues. This variant is not present in population databases (gnomAD no frequency). This variant has not been reported in the literature in individuals affected with ARHGEF15-related conditions. In summary, the available evidence is currently insufficient to determine the role of this variant in disease. Therefore, it has been classified as a Variant of Uncertain Significance.